The following is an entry in ClinVar:

NM_001128840.3(CACNA1D):c.1372G>C (p.Glu458Gln)

Gene: CACNA1D (calcium voltage-gated channel subunit alpha1 D; plus strand). Cytogenetic location: 3p21.1.
Variant type: single nucleotide variant.
Coding change: c.1372G>C on transcript NM_001128840.3 (MANE Select); coding-DNA position 1372, G replaced by C.
Protein change: p.Glu458Gln; replaces glutamic acid 458 with glutamine.
Molecular consequence: missense variant.
Genome position (GRCh38, 1-based): chr3:53,702,792, G>C. VCF-style: chr3-53702792-G-C. GRCh37 (hg19) VCF-style: chr3-53736819-G-C.
Other names: c.1372G>C, p.Glu458Gln (NM_000720.4, NM_001128839.3); short protein forms E458Q.
Identifiers: ClinVar variation 1679685 (VCV001679685.4), dbSNP rs1193226150, ClinGen allele CA353384585.

ClinVar aggregate classification (germline): Uncertain significance. Review status: criteria provided, multiple submitters, no conflicts (2 of 4 stars). 2 submissions from 2 submitters: Uncertain significance (2). Last evaluated 2024-05-26.

Conditions:
Aldosterone-producing adenoma with seizures and neurological abnormalities. Also called: Primary aldosteronism, seizures, and neurologic abnormalities. Identifiers: Orphanet 369929, MedGen C3809609, MONDO:0014200, OMIM 615474.

Allele frequency attached by ClinVar (database versions not stated): TOPMed 0.00001.
gnomAD v4.1: 3 of 1,614,242 alleles (0.00019%); no homozygotes.

Submissions (2):

Labcorp Genetics (formerly Invitae), Labcorp
Classification: Uncertain significance. Last evaluated: 2024-05-26. Review status: criteria provided, single submitter. Criteria: Invitae Variant Classification Sherloc (09022015). Collection method: clinical testing. Allele origin: germline.
Comment: This sequence change replaces glutamic acid, which is acidic and polar, with glutamine, which is neutral and polar, at codon 458 of the CACNA1D protein (p.Glu458Gln). This variant is not present in population databases (gnomAD no frequency). This variant has not been reported in the literature in individuals affected with CACNA1D-related conditions. ClinVar contains an entry for this variant (Variation ID: 1679685). Advanced modeling of protein sequence and biophysical properties (such as structural, functional, and spatial information, amino acid conservation, physicochemical variation, residue mobility, and thermodynamic stability) performed at Invitae indicates that this missense variant is not expected to disrupt CACNA1D protein function with a negative predictive value of 80%. In summary, the available evidence is currently insufficient to determine the role of this variant in disease. Therefore, it has been classified as a Variant of Uncertain Significance.

New York Genome Center
Classification: Uncertain significance for Aldosterone-producing adenoma with seizures and neurological abnormalities. Last evaluated: 2021-06-27. Review status: criteria provided, single submitter. Criteria: NYGC Assertion Criteria 2020. Collection method: clinical testing. Allele origin: germline. Observed: 1 heterozygote. Study: CSER-NYCKidSeq.
Comment: The c.1372G>C (p.Glu458Gln) variant in exon 9 of 48 of CACNA1D has not been reported in affected individuals in the available literature. This variant is absent in gnomAD v3 indicating it is not a common benign variant in the populations represented in this database. In silico predictors suggest this variant is Benign (REVEL score: 0.416) and tolerated (SIFT score: 0.2). Given the current evidence regarding its pathogenicity, the c.1372G>C (p.Glu458Gln) variant identified in the CACNA1D gene is classified as a Variant of Uncertain Significance.